The following is an entry in ClinVar:

ClinVar aggregate classification (germline): Uncertain significance (1 of 4 stars; one submission).

Submission:

Women's Health and Genetics/Laboratory Corporation of America, LabCorp
Classification: Uncertain significance. Last evaluated: 2022-10-01. Review status: criteria provided, single submitter. Criteria: LabCorp Variant Classification Summary - May 2015. Collection method: clinical testing. Allele origin: germline.
Comment: Variant summary: ZNF292 c.7629_7633delAAAAA (p.Lys2544GlufsX3) results in a premature termination codon. Although the variant is not predicted to cause nonsense mediated decay, the variant disrupts the last 180 amino acids in the native protein sequence. The variant was absent in 244484 control chromosomes (gnomAD). To our knowledge, no occurrence of c.7629_7633delAAAAA in individuals affected with Autosomal Dominant Intellectual Developmental Disorder 64 and no experimental evidence demonstrating its impact on protein function have been reported. No clinical diagnostic laboratories have submitted clinical-significance assessments for this variant to ClinVar after 2014. Based on the evidence outlined above, the variant was classified as uncertain significance.

NM_015021.3(ZNF292):c.7629_7633del (p.Lys2544fs)

Gene: ZNF292 (zinc finger protein 292; plus strand). Cytogenetic location: 6q14.3.
Variant type: Deletion.
Coding change: c.7629_7633del on transcript NM_015021.3 (MANE Select); coding-DNA positions 7629 to 7633, 5 bases deleted (AAAAA; older notation c.7629_7633delAAAAA).
Protein change: p.Lys2544fs; shifts the reading frame from lysine 2544.
Molecular consequence: frameshift variant.
Genome position (GRCh38, 1-based): chr6:87,261,258-87,261,262, AAAAA deleted; deleting any 5 consecutive bases within chr6:87,261,256-87,261,262 gives the same sequence; the c. name uses the placement nearest the transcript's 3' end. VCF-style (leftmost placement, unchanged base first): chr6-87261255-TAAAAA-T. GRCh37 (hg19) VCF-style: chr6-87970973-TAAAAA-T.
Other names: c.7209_7213del, p.Lys2404fs (NM_001351444.2); short protein forms K2404fs, K2544fs.
Identifiers: ClinVar variation 1723237 (VCV001723237.1), dbSNP rs2482373985, ClinGen allele CA2580075950.
Genomic context (GRCh38, chr6:87,261,255, plus strand): 5'-AGAAAGACAAAAAGCAAGTAATTTGAAGAGAGTTAATAAGGAAAAAAATGTCTCACAAAA[TAAAAA>T]AAGGAAAGTTGAAAAAGCTGAACCAGCATCAGCAGCTGAGTTAAGTAGCGTGCGTAAAGA-3'